The following is an entry in ClinVar:

ClinVar aggregate classification (germline): Pathogenic. Review status: criteria provided, multiple submitters, no conflicts (2 of 4 stars). 2 submissions from 2 submitters: Pathogenic (2). Last evaluated 2026-01-13.

Conditions:
Lynch syndrome 4 (LYNCH4). Also called: Colorectal cancer, hereditary nonpolyposis, type 4; Hereditary non-polyposis colorectal cancer, type 4. Identifiers: Orphanet 144, MedGen C1838333, MONDO:0013699, OMIM 614337. Disease mechanism: loss of function.
Hereditary cancer-predisposing syndrome. Also called: Neoplastic Syndromes, Hereditary; Tumor predisposition; Hereditary neoplastic syndrome; Hereditary Cancer Syndrome. Identifiers: Orphanet 140162, MedGen C0027672, MeSH D009386, MONDO:0015356.

Submissions (2):

Myriad Genetics, Inc.
Classification: Pathogenic for Lynch syndrome 4. Last evaluated: 2026-01-13. Review status: criteria provided, single submitter. Criteria: Myriad Autosomal Dominant, Autosomal Recessive and X-Linked Classification Criteria (2023). Collection method: clinical testing. Allele origin: unknown.
Comment: This variant is considered pathogenic. This variant creates a frameshift predicted to result in premature protein truncation.

Ambry Genetics
Classification: Pathogenic for Hereditary cancer-predisposing syndrome. Last evaluated: 2024-06-11. Review status: criteria provided, single submitter. Criteria: Ambry Variant Classification Scheme 2023. Collection method: clinical testing. Allele origin: germline.
Comment: The c.136_139delAGTC pathogenic mutation, located in coding exon 2 of the PMS2 gene, results from a deletion of 4 nucleotides at nucleotide positions 136 to 139, causing a translational frameshift with a predicted alternate stop codon (p.S46Wfs*10). This variant is considered to be rare based on population cohorts in the Genome Aggregation Database (gnomAD). This alteration is expected to result in loss of function by premature protein truncation or nonsense-mediated mRNA decay. As such, this alteration is interpreted as a disease-causing mutation.

NM_000535.7(PMS2):c.136_139del (p.Ser46fs)

Gene: PMS2 (PMS1 homolog 2, mismatch repair system component; minus strand). Cytogenetic location: 7p22.1.
Variant type: Deletion.
Coding change: c.136_139del on transcript NM_000535.7 (MANE Select); coding-DNA positions 136 to 139, 4 bases deleted (AGTC; older notation c.136_139delAGTC).
Protein change: p.Ser46fs; shifts the reading frame from serine 46.
Molecular consequence: frameshift variant. On other transcripts: 5 prime UTR variant (38), non-coding transcript variant (1), intron variant (7).
Genome position (GRCh38, 1-based): chr7:6,005,916-6,005,919, GACT deleted on the plus strand (AGTC on the coding strand, the reverse complement: PMS2 is on the minus strand); deleting any 4 consecutive bases within chr7:6,005,916-6,005,920 gives the same sequence; the c. name uses the placement nearest the transcript's 3' end. VCF-style (leftmost placement, unchanged base first): chr7-6005915-AGACT-A. GRCh37 (hg19) VCF-style: chr7-6045546-AGACT-A.
Other names: c.-270_-267del (NM_001322003.2, NM_001322005.2, NM_001322009.2 and 10 more transcripts); c.136_139del, p.Ser46fs (NM_001322006.2, NM_001322014.2, NM_001406868.1 and 10 more transcripts); c.-80_-77del (NM_001322007.2, NM_001406896.1, NM_001406901.1 and 4 more transcripts); c.-749_-746del (NM_001322011.2, NM_001322012.2); c.-349_-346del (NM_001322015.2, NM_001406875.1, NM_001406877.1 and 2 more transcripts); c.322_325del, p.Ser108fs (NM_001406866.1); c.-217_-214del (NM_001406888.1, NM_001406889.1, NM_001406892.1 and 5 more transcripts); c.-260_-257del (NM_001406890.1); and 8 more; short protein forms S108fs, S46fs.
Identifiers: ClinVar variation 3308116 (VCV003308116.2).